The following is an entry in ClinVar:

NC_000022.11:g.40346058C>A

Gene: ADSL (adenylosuccinate lyase; plus strand). Cytogenetic location: 22q13.1.
Variant type: single nucleotide variant.
Genome position: GRCh38 VCF-style: chr22-40346058-C-A. GRCh37 (hg19) VCF-style: chr22-40742062-C-A.
Identifiers: ClinVar variation 1353924 (VCV001353924.6), dbSNP rs79742008, ClinGen allele CA2573158344.

ClinVar aggregate classification (germline): Uncertain significance (1 of 4 stars; one submission).

Conditions:
Adenylosuccinate lyase deficiency (ADSLD). Also called: ADSL DEFICIENCY. Identifiers: Orphanet 46, MedGen C0268126, MONDO:0007068, OMIM 103050.

Submission:

Labcorp Genetics (formerly Invitae), Labcorp
Classification: Uncertain significance for Adenylosuccinate lyase deficiency. Last evaluated: 2021-11-27. Review status: criteria provided, single submitter. Criteria: Invitae Variant Classification Sherloc (09022015). Collection method: clinical testing. Allele origin: germline.
Comment: This variant has not been reported in the literature in individuals affected with ADSL-related conditions. This variant is not present in population databases (gnomAD no frequency). This variant occurs in a non-coding region of the ADSL gene. It does not change the encoded amino acid sequence of the ADSL protein. Experimental studies and prediction algorithms are not available or were not evaluated, and the functional significance of this variant is currently unknown. In summary, the available evidence is currently insufficient to determine the role of this variant in disease. Therefore, it has been classified as a Variant of Uncertain Significance.